The following is an entry in ClinVar:

NM_000136.3(FANCC):c.1518G>C (p.Trp506Cys)

Genes: FANCC (FA complementation group C; minus strand), AOPEP (aminopeptidase O (putative); plus strand). Cytogenetic location: 9q22.32.
Variant type: single nucleotide variant.
Coding change: c.1518G>C on transcript NM_000136.3 (MANE Select); coding-DNA position 1518, G replaced by C.
Protein change: p.Trp506Cys; replaces tryptophan 506 with cysteine.
Molecular consequence: missense variant.
Genome position (GRCh38, 1-based): chr9:95,107,081, C>G on the plus strand (G>C on the coding strand, the complement: FANCC is on the minus strand). VCF-style: chr9-95107081-C-G. GRCh37 (hg19) VCF-style: chr9-97869363-C-G.
Other names: c.1518G>C, p.Trp506Cys (NM_001243743.2); short protein forms W506C.
Identifiers: ClinVar variation 526356 (VCV000526356.12), dbSNP rs1554828332, ClinGen allele CA374105504.

ClinVar aggregate classification (germline): Uncertain significance. Review status: criteria provided, multiple submitters, no conflicts (2 of 4 stars). 3 submissions from 3 submitters: Uncertain significance (2). 1 of the submissions does not count toward it. Last evaluated 2022-08-30.

Conditions:
Hereditary cancer-predisposing syndrome. Also called: Neoplastic Syndromes, Hereditary; Tumor predisposition; Hereditary Cancer Syndrome; Hereditary neoplastic syndrome. Identifiers: Orphanet 140162, MedGen C0027672, MeSH D009386, MONDO:0015356.
Fanconi anemia (FA). Also called: Fanconi's anemia. Identifiers: Orphanet 84, MedGen C0015625, MeSH D005199, MONDO:0019391.

Submissions (3):

Ambry Genetics
Classification: Uncertain significance for Hereditary cancer-predisposing syndrome. Last evaluated: 2022-08-30. Review status: criteria provided, single submitter. Criteria: Ambry Variant Classification Scheme 2023. Collection method: clinical testing. Allele origin: germline.
Comment: The p.W506C variant (also known as c.1518G>C), located in coding exon 13 of the FANCC gene, results from a G to C substitution at nucleotide position 1518. The tryptophan at codon 506 is replaced by cysteine, an amino acid with highly dissimilar properties. This amino acid position is conserved. In addition, this alteration is predicted to be tolerated by in silico analysis. Since supporting evidence is limited at this time, the clinical significance of this alteration remains unclear.

Labcorp Genetics (formerly Invitae), Labcorp
Classification: Uncertain significance for Fanconi anemia. Last evaluated: 2021-08-30. Review status: criteria provided, single submitter. Criteria: Invitae Variant Classification Sherloc (09022015). Collection method: clinical testing. Allele origin: germline.
Comment: This sequence change replaces tryptophan with cysteine at codon 506 of the FANCC protein (p.Trp506Cys). The tryptophan residue is weakly conserved and there is a large physicochemical difference between tryptophan and cysteine. This variant is not present in population databases (ExAC no frequency). This variant has not been reported in the literature in individuals affected with FANCC-related conditions. Algorithms developed to predict the effect of missense changes on protein structure and function are either unavailable or do not agree on the potential impact of this missense change (SIFT: "Deleterious"; PolyPhen-2: "Possibly Damaging"; Align-GVGD: "Class C0"). In summary, the available evidence is currently insufficient to determine the role of this variant in disease. Therefore, it has been classified as a Variant of Uncertain Significance.

Natera, Inc.
Classification: Uncertain significance for Fanconi anemia. Last evaluated: 2021-03-02. Review status: no assertion criteria provided. Collection method: clinical testing. Allele origin: germline. Not counted in ClinVar's aggregate classification.